The following is an entry in ClinVar:

ClinVar aggregate classification (germline): Uncertain significance (1 of 4 stars; one submission).

Submission:

Labcorp Genetics (formerly Invitae), Labcorp
Classification: Uncertain significance. Last evaluated: 2023-10-05. Review status: criteria provided, single submitter. Criteria: Invitae Variant Classification Sherloc (09022015). Collection method: clinical testing. Allele origin: germline.
Comment: This sequence change replaces proline, which is neutral and non-polar, with arginine, which is basic and polar, at codon 648 of the CSF2RB protein (p.Pro648Arg). Information on the frequency of this variant in the gnomAD database is not available, as this variant may be reported differently in the database. This variant has not been reported in the literature in individuals affected with CSF2RB-related conditions. An algorithm developed to predict the effect of missense changes on protein structure and function (PolyPhen-2) suggests that this variant is likely to be tolerated. In summary, the available evidence is currently insufficient to determine the role of this variant in disease. Therefore, it has been classified as a Variant of Uncertain Significance.

NM_000395.3(CSF2RB):c.1943_1944delinsGG (p.Pro648Arg)

Gene: CSF2RB (colony stimulating factor 2 receptor subunit beta; plus strand). Cytogenetic location: 22q12.3.
Variant type: Indel.
Coding change: c.1943_1944delinsGG on transcript NM_000395.3 (MANE Select); coding-DNA positions 1943 to 1944, CA replaced by GG.
Protein change: p.Pro648Arg; replaces proline 648 with arginine.
Molecular consequence: missense variant.
Genome position (GRCh38, 1-based): chr22:36,937,751-36,937,752, CA replaced by GG. VCF-style: chr22-36937751-CA-GG. GRCh37 (hg19) VCF-style: chr22-37333793-CA-GG.
Other names: c.1961_1962delinsGG, p.Pro654Arg (NM_001410827.1); short protein forms P648R, P654R.
Identifiers: ClinVar variation 2980273 (VCV002980273.3), dbSNP rs2518009174, ClinGen allele CA2740094829.